The following is an entry in ClinVar:

ClinVar aggregate classification (germline): Conflicting classifications of pathogenicity. Review status: criteria provided, conflicting classifications (1 of 4 stars). 3 submissions from 3 submitters: Likely pathogenic (1); Uncertain significance (2). Last evaluated 2023-02-10.

Conditions:
Inborn genetic diseases. Identifiers: MedGen C0950123, MeSH D030342.
Mitochondrial complex IV deficiency, nuclear type 1 (MC4DN1). Also called: Complex 4 mitochondrial respiratory chain deficiency; Deficiency of mitochondrial respiratory chain complex4; Complex IV deficiency; Mitochondrial complex IV deficiency; COX DEFICIENCY. Identifiers: MedGen C5435656, MONDO:0700250, OMIM 220110. Disease mechanism: loss of function.

gnomAD v4.1: 1 of 1,533,118 alleles (0.000065%); highest among the groups gnomAD compares: Non-Finnish European, 0.000087%; no homozygotes.

Submissions (3):

Ambry Genetics
Classification: Likely pathogenic for Inborn genetic diseases. Last evaluated: 2023-02-10. Review status: criteria provided, single submitter. Criteria: Ambry Variant Classification Scheme 2023. Collection method: clinical testing. Allele origin: germline.
Comment: The c.106G>C (p.G36R) alteration is located in exon 2 (coding exon 2) of the SURF1 gene. This alteration results from a G to C substitution at nucleotide position 106, causing the glycine (G) at amino acid position 36 to be replaced by an arginine (R). This change occurs in the last base pair of coding exon 2, which makes it likely to have some effect on normal mRNA splicing. This variant was not reported in population-based cohorts in the Genome Aggregation Database (gnomAD). This nucleotide position is highly conserved in available vertebrate species. In silico splice site analysis predicts that this alteration will weaken the native splice donor site. This amino acid alteration is predicted to be tolerated by in silico analysis. Based on the available evidence, this alteration is classified as likely pathogenic.

MGZ Medical Genetics Center
Classification: Uncertain significance for Mitochondrial complex IV deficiency, nuclear type 1. Last evaluated: 2021-09-29. Review status: criteria provided, single submitter. Criteria: ACMG Guidelines, 2015. Collection method: clinical testing. Allele origin: germline. Affected: yes. Observed: 1 variant allele.
Comment: ACMG criteria applied: PM2_SUP, PP3

GeneDx
Classification: Uncertain significance. Last evaluated: 2019-09-05. Review status: criteria provided, single submitter. Criteria: GeneDx Variant Classification Process June 2021. Collection method: clinical testing. Allele origin: germline. Affected: yes.
Comment: Not observed in large population cohorts (Lek et al., 2016); In silico analysis, which includes protein predictors and evolutionary conservation, supports that this variant does not alter protein structure/function; Has not been previously published as pathogenic or benign to our knowledge; In-silico analysis, which includes splice predictors and evolutionary conservation, is inconclusive as to whether the variant alters gene splicing. In the absence of RNA/functional studies, the actual effect of this sequence change is unknown.

NM_003172.4(SURF1):c.106G>C (p.Gly36Arg)

Gene: SURF1 (SURF1 cytochrome c oxidase assembly factor; minus strand). Cytogenetic location: 9q34.2.
Variant type: single nucleotide variant.
Coding change: c.106G>C on transcript NM_003172.4 (MANE Select); coding-DNA position 106, G replaced by C.
Protein change: p.Gly36Arg; replaces glycine 36 with arginine.
Molecular consequence: missense variant. On other transcripts: intron variant (1).
Genome position (GRCh38, 1-based): chr9:133,356,269, C>G on the plus strand (G>C on the coding strand, the complement: SURF1 is on the minus strand). VCF-style: chr9-133356269-C-G. GRCh37 (hg19) VCF-style: chr9-136223124-C-G.
Other names: c.-222+131G>C (NM_001280787.1); short protein forms G36R.
Identifiers: ClinVar variation 1315638 (VCV001315638.6), dbSNP rs1836579970, ClinGen allele CA375695005.